The following is an entry in ClinVar:

NM_000492.4(CFTR):c.1303C>G (p.Leu435Val)

Genes: CFTR (CF transmembrane conductance regulator; plus strand), CFTR-AS1 (CFTR antisense RNA 1; minus strand). Cytogenetic location: 7q31.2.
Variant type: single nucleotide variant.
Coding change: c.1303C>G on transcript NM_000492.4 (MANE Select); coding-DNA position 1303, C replaced by G.
Protein change: p.Leu435Val; replaces leucine 435 with valine.
Molecular consequence: missense variant.
Genome position (GRCh38, 1-based): chr7:117,548,734, C>G. VCF-style: chr7-117548734-C-G. GRCh37 (hg19) VCF-style: chr7-117188788-C-G.
Other names: short protein forms L435V.
Identifiers: ClinVar variation 2161916 (VCV002161916.4), dbSNP rs112695925, ClinGen allele CA164960294.

ClinVar aggregate classification (germline): Uncertain significance (1 of 4 stars; one submission).

Conditions:
Cystic fibrosis (CF). Also called: MUCOVISCIDOSIS. Identifiers: Orphanet 586, MedGen C0010674, MONDO:0009061, OMIM 219700. Disease mechanism: loss of function.

Submission:

Labcorp Genetics (formerly Invitae), Labcorp
Classification: Uncertain significance for Cystic fibrosis. Last evaluated: 2023-08-04. Review status: criteria provided, single submitter. Criteria: Invitae Variant Classification Sherloc (09022015). Collection method: clinical testing. Allele origin: germline.
Comment: In summary, the available evidence is currently insufficient to determine the role of this variant in disease. Therefore, it has been classified as a Variant of Uncertain Significance. Advanced modeling of protein sequence and biophysical properties (such as structural, functional, and spatial information, amino acid conservation, physicochemical variation, residue mobility, and thermodynamic stability) has been performed at Invitae for this missense variant, however the output from this modeling did not meet the statistical confidence thresholds required to predict the impact of this variant on CFTR protein function. ClinVar contains an entry for this variant (Variation ID: 2161916). This variant has not been reported in the literature in individuals affected with CFTR-related conditions. This variant is not present in population databases (gnomAD no frequency). This sequence change replaces leucine, which is neutral and non-polar, with valine, which is neutral and non-polar, at codon 435 of the CFTR protein (p.Leu435Val).